The following is an entry in ClinVar:

NM_001077415.3(CRELD1):c.1049-364G>C

Gene: CRELD1 (CRELD disulfide isomerase 1; plus strand). Cytogenetic location: 3p25.3.
Variant type: single nucleotide variant.
Coding change: c.1049-364G>C on transcript NM_001077415.3 (MANE Select); 364 bases into the intron before coding-DNA position 1049, G replaced by C.
Molecular consequence: intron variant. On other transcripts: missense variant (3).
Genome position (GRCh38, 1-based): chr3:9,944,001, G>C. VCF-style: chr3-9944001-G-C. GRCh37 (hg19) VCF-style: chr3-9985685-G-C.
Other names: c.1148G>C, p.Arg383Thr (NM_001031717.4); c.1160G>C, p.Arg387Thr (NM_001374317.1, NM_001374318.1); c.965-364G>C (NM_001374319.1, NM_001374320.1); c.1049-364G>C (NM_001374316.1, NM_015513.6); short protein forms R383T, R387T.
Identifiers: ClinVar variation 407065 (VCV000407065.5), dbSNP rs748476213, ClinGen allele CA2247943.

ClinVar aggregate classification (germline): Uncertain significance (1 of 4 stars; one submission).

Conditions:
Atrioventricular septal defect, susceptibility to, 2. Identifiers: MedGen C1853508, MONDO:0011650, OMIM 606217.

Allele frequency attached by ClinVar (database versions not stated): gnomAD below 0.00001 and 0.00001; ExAC 0.00002; gnomAD exomes 0.00002; TOPMed 0.00002.
gnomAD v4.1: 17 of 972,138 alleles (0.0017%); highest among the groups gnomAD compares: South Asian, 0.02%; no homozygotes.

Submission:

Labcorp Genetics (formerly Invitae), Labcorp
Classification: Uncertain significance for Atrioventricular septal defect, susceptibility to, 2. Last evaluated: 2016-08-03. Review status: criteria provided, single submitter. Criteria: Invitae Variant Classification Sherloc (09022015). Collection method: clinical testing. Allele origin: germline.
Comment: Algorithms developed to predict the effect of missense changes on protein structure and function do not agree on the potential impact of this missense change (SIFT: "Deleterious"; PolyPhen-2: "Benign"; Align-GVGD: "Class C0"). This variant is present in population databases (rs748476213, ExAC 0.01%) but has not been reported in the literature in individuals with a CRELD1-related disease. In summary, this variant is a rare missense change with uncertain impact on protein function. There is no indication that it causes disease, but the available evidence is currently insufficient to prove that conclusively. Therefore, it has been classified as a Variant of Uncertain Significance. This sequence change replaces arginine with threonine at codon 383 of the CRELD1 protein (p.Arg383Thr). The arginine residue is weakly conserved and there is a moderate physicochemical difference between arginine and threonine.